The following is an entry in ClinVar:

ClinVar aggregate classification (germline): Likely benign. Review status: criteria provided, multiple submitters, no conflicts (2 of 4 stars). 2 submissions from 2 submitters: Likely benign (2). Last evaluated 2025-08-25.

Conditions:
MAPT-related disorder. Also called: MAPT-related condition; MAPT-Related Disorders.
Frontotemporal dementia (FTD1). Also called: MULTIPLE SYSTEM TAUOPATHY WITH PRESENILE DEMENTIA; WILHELMSEN-LYNCH DISEASE; FRONTOTEMPORAL DEMENTIA WITH PARKINSONISM; FRONTOTEMPORAL LOBE DEMENTIA; FRONTOTEMPORAL LOBAR DEGENERATION WITH TAU INCLUSIONS; FTLD WITH TAU INCLUSIONS. Identifiers: Orphanet 282, MedGen C0338451, MONDO:0017276, OMIM 600274, HP:0002145.

Allele frequency attached by ClinVar (database versions not stated): ExAC 0.00002; gnomAD 0.00003; TOPMed 0.00004.
gnomAD v4.1: 21 of 1,614,018 alleles (0.0013%); highest among the groups gnomAD compares: East Asian, 0.0067%; no homozygotes.

Submissions (2):

Labcorp Genetics (formerly Invitae), Labcorp
Classification: Likely benign for Frontotemporal dementia. Last evaluated: 2025-08-25. Review status: criteria provided, single submitter. Criteria: Invitae Variant Classification Sherloc (09022015). Collection method: clinical testing. Allele origin: germline.

PreventionGenetics, part of Exact Sciences
Classification: Likely benign for MAPT-related condition. Last evaluated: 2025-03-23. Review status: criteria provided, single submitter. Criteria: ACMG Guidelines, 2015. Collection method: clinical testing. Allele origin: germline.
Comment: This variant is classified as likely benign based on ACMG/AMP sequence variant interpretation guidelines (Richards et al. 2015 PMID: 25741868, with internal and published modifications).

NM_001377265.1(MAPT):c.1707C>T (p.Pro569=)

Gene: MAPT (microtubule associated protein tau). Cytogenetic location: 17q21.31.
Variant type: single nucleotide variant.
Coding change: c.1707C>T on transcript NM_001377265.1 (MANE Select); coding-DNA position 1707, C replaced by T.
Protein change: p.Pro569=; no amino-acid change (proline 569 retained).
Molecular consequence: synonymous variant.
Genome position (GRCh38, 1-based): chr17:45,991,561, C>T. VCF-style: chr17-45991561-C-T. GRCh37 (hg19) VCF-style: chr17-44068927-C-T.
Other names: c.1482C>T (NM_001123066.3); c.1482C>T, p.Pro494= (NM_001123066.4, NM_016835.5); c.444C>T, p.Pro148= (NM_001123067.4, NM_001203251.2, NM_001377267.1); c.531C>T, p.Pro177= (NM_001203252.2, NM_005910.6); c.1509C>T, p.Pro503= (NM_001377266.1); c.357C>T, p.Pro119= (NM_001377268.1, NM_016834.5, NM_016841.5).
Identifiers: ClinVar variation 744194 (VCV000744194.12), dbSNP rs750910229, ClinGen allele CA8617982.